The following is an entry in ClinVar:

ClinVar aggregate classification (germline): Pathogenic (1 of 4 stars; one submission).

Conditions:
Catecholaminergic polymorphic ventricular tachycardia 1. Also called: VENTRICULAR TACHYCARDIA, STRESS-INDUCED POLYMORPHIC 1; VENTRICULAR TACHYCARDIA, CATECHOLAMINERGIC POLYMORPHIC, 1, WITH OR WITHOUT ATRIAL DYSFUNCTION AND/OR DILATED CARDIOMYOPATHY; RYR2-Related Catecholaminergic Polymorphic Ventricular Tachycardia. Identifiers: Orphanet 3286, MedGen C1631597, MONDO:0011484, OMIM 604772.

Submission:

Labcorp Genetics (formerly Invitae), Labcorp
Classification: Pathogenic for Catecholaminergic polymorphic ventricular tachycardia 1. Last evaluated: 2024-02-16. Review status: criteria provided, single submitter. Criteria: Invitae Variant Classification Sherloc (09022015). Collection method: clinical testing. Allele origin: germline.
Comment: This sequence change creates a premature translational stop signal (p.Lys194Asnfs*16) in the CASQ2 gene. It is expected to result in an absent or disrupted protein product. Loss-of-function variants in CASQ2 are known to be pathogenic (PMID: 12386154). This variant is not present in population databases (gnomAD no frequency). This variant has not been reported in the literature in individuals affected with CASQ2-related conditions. For these reasons, this variant has been classified as Pathogenic.

Literature cited by the submitters: PubMed 12386154.

NM_001232.4(CASQ2):c.582del (p.Lys194fs)

Gene: CASQ2 (calsequestrin 2; minus strand). Cytogenetic location: 1p13.1.
Variant type: Deletion.
Coding change: c.582del on transcript NM_001232.4 (MANE Select); coding-DNA position 582, one base deleted (A; older notation c.582delA).
Protein change: p.Lys194fs; shifts the reading frame from lysine 194.
Molecular consequence: frameshift variant.
Genome position (GRCh38, 1-based): chr1:115,732,925, T deleted on the plus strand (A on the coding strand, the reverse complement: CASQ2 is on the minus strand); the first of 3 consecutive T bases (chr1:115,732,925-115,732,927); deleting any one gives the same sequence. VCF-style (leftmost placement, unchanged base first): chr1-115732924-AT-A. GRCh37 (hg19) VCF-style: chr1-116275545-AT-A.
Other names: short protein forms K194fs.
Identifiers: ClinVar variation 3623127 (VCV003623127.2).
Genomic context (GRCh38, chr1:115,732,924, plus strand): 5'-ACAAAACTGTTCAAATTGGGGTTTCATAGGTACTTACCCCTTTGTCAAAGGTGGCAAAGA[AT>A]TTGATGTAAGGCTGGAAGTGTTCAGCTGCTTCTTCAAAAGCCTTGTAGTCTAAGGGGAAA-3'